The following is an entry in ClinVar:

ClinVar aggregate classification (germline): Uncertain significance (1 of 4 stars; one submission).

Conditions:
Hereditary cancer-predisposing syndrome. Also called: Tumor predisposition; Hereditary Cancer Syndrome; Hereditary neoplastic syndrome; Neoplastic Syndromes, Hereditary. Identifiers: Orphanet 140162, MedGen C0027672, MeSH D009386, MONDO:0015356.

Submission:

Ambry Genetics
Classification: Uncertain significance for Hereditary cancer-predisposing syndrome. Last evaluated: 2017-08-07. Review status: criteria provided, single submitter. Criteria: Ambry Variant Classification Scheme 2023. Collection method: clinical testing. Allele origin: germline.
Comment: The p.D368E variant (also known as c.1104C>G), located in coding exon 10 of the MRE11A gene, results from a C to G substitution at nucleotide position 1104. The aspartic acid at codon 368 is replaced by glutamic acid, an amino acid with highly similar properties. This amino acid position is highly conserved in available vertebrate species. In addition, the in silico prediction for this alteration is inconclusive. Since supporting evidence is limited at this time, the clinical significance of this alteration remains unclear.

NM_005591.4(MRE11):c.1104C>G (p.Asp368Glu)

Gene: MRE11 (MRE11 double strand break repair nuclease; minus strand). Cytogenetic location: 11q21.
Variant type: single nucleotide variant.
Coding change: c.1104C>G on transcript NM_005591.4 (MANE Select); coding-DNA position 1104, C replaced by G.
Protein change: p.Asp368Glu; replaces aspartic acid 368 with glutamic acid.
Molecular consequence: missense variant.
Genome position (GRCh38, 1-based): chr11:94,464,234, G>C on the plus strand (C>G on the coding strand, the complement: MRE11 is on the minus strand). VCF-style: chr11-94464234-G-C. GRCh37 (hg19) VCF-style: chr11-94197400-G-C.
Other names: c.1104C>G, p.Asp368Glu (NM_001330347.2, NM_005590.4); short protein forms D368E.
Identifiers: ClinVar variation 485823 (VCV000485823.5), dbSNP rs1555010965, ClinGen allele CA382373075.
Genomic context (GRCh38, chr11:94,464,234, plus strand): 5'-CCGATCCACAAATTTCTGGCTAAAGCGAAGAACACTGAAAGGTTCAAAACCTCCACTATA[G>C]TCCACCTGAAAACACAGAATAATCTATGAACGCTAGGAAACAACAATTTGCCAATTTTTA-3'
Protein context (NP_005582.1, residues 358-378): PEKPLVRLRV[Asp368Glu]YSGGFEPFSV